The following is an entry in ClinVar:

ClinVar aggregate classification (germline): Uncertain significance. Review status: criteria provided, multiple submitters, no conflicts (2 of 4 stars). 2 submissions from 2 submitters: Uncertain significance (2). Last evaluated 2021-09-09.

Allele frequency attached by ClinVar (database versions not stated): TOPMed below 0.00001.

Submissions (2):

Labcorp Genetics (formerly Invitae), Labcorp
Classification: Uncertain significance. Last evaluated: 2021-09-09. Review status: criteria provided, single submitter. Criteria: Invitae Variant Classification Sherloc (09022015). Collection method: clinical testing. Allele origin: germline.
Comment: This sequence change replaces isoleucine with leucine at codon 612 of the SNRNP200 protein (p.Ile612Leu). The isoleucine residue is moderately conserved and there is a small physicochemical difference between isoleucine and leucine. This variant is not present in population databases (ExAC no frequency). This missense change has been observed in individual(s) with autosomal dominant SNRNP200-related conditions (Invitae). Algorithms developed to predict the effect of missense changes on protein structure and function (SIFT, PolyPhen-2, Align-GVGD) all suggest that this variant is likely to be tolerated. In summary, the available evidence is currently insufficient to determine the role of this variant in disease. Therefore, it has been classified as a Variant of Uncertain Significance.

Blueprint Genetics
Classification: Uncertain significance. Last evaluated: 2019-06-15. Review status: criteria provided, single submitter. Criteria: ACMG Guidelines, 2015. Collection method: clinical testing. Allele origin: germline.

NM_014014.5(SNRNP200):c.1834A>C (p.Ile612Leu)

Gene: SNRNP200 (small nuclear ribonucleoprotein U5 subunit 200; minus strand). Cytogenetic location: 2q11.2.
Variant type: single nucleotide variant.
Coding change: c.1834A>C on transcript NM_014014.5 (MANE Select); coding-DNA position 1834, A replaced by C.
Protein change: p.Ile612Leu; replaces isoleucine 612 with leucine.
Molecular consequence: missense variant.
Genome position (GRCh38, 1-based): chr2:96,295,496, T>G on the plus strand (A>C on the coding strand, the complement: SNRNP200 is on the minus strand). VCF-style: chr2-96295496-T-G. GRCh37 (hg19) VCF-style: chr2-96961234-T-G.
Other names: short protein forms I612L.
Identifiers: ClinVar variation 1516498 (VCV001516498.7), dbSNP rs1419842922, ClinGen allele CA347680687.
Genomic context (GRCh38, chr2:96,295,496, plus strand): 5'-AACCCGCCCTGACACAACTGGACTCTATATTCTACGACTGCTCCCAACTCACCAGAATGA[T>G]GAGCCGCACCAGCTGGGTGTAGGTGCGCTCACCACCCTTGCGGGTGATGATGTCCCACTT-3'
Protein context (NP_054733.2, residues 602-622): ERTYTQLVRL[Ile612Leu]ILDEIHLLHD